The following is an entry in ClinVar:

NM_004320.6(ATP2A1):c.678_679inv (p.Gly227Ser)

Gene: ATP2A1 (ATPase sarcoplasmic/endoplasmic reticulum Ca2+ transporting 1; plus strand). Cytogenetic location: 16p11.2.
Variant type: Inversion.
Coding change: c.678_679inv on transcript NM_004320.6 (MANE Select).
Protein change: p.Gly227Ser; replaces glycine 227 with serine.
Molecular consequence: missense variant.
Genome position: GRCh38 VCF-style: chr16-28887472-TG-CA. GRCh37 (hg19) VCF-style: chr16-28898793-TG-CA.
Other names: c.303_304inv, p.Gly102Ser (NM_001286075.2); c.678_679inv, p.Gly227Ser (NM_173201.5); c.678_679delinsCA (NM_173201.4); short protein forms G102S, G227S.
Identifiers: ClinVar variation 1363138 (VCV001363138.7), ClinGen allele CA2573152269.

ClinVar aggregate classification (germline): Uncertain significance. Review status: criteria provided, multiple submitters, no conflicts (2 of 4 stars). 2 submissions from 2 submitters: Uncertain significance (2). Last evaluated 2022-07-08.

Conditions:
Brody myopathy. Also called: BRODY DISEASE. Identifiers: Orphanet 53347, MedGen C1832918, MONDO:0010977, OMIM 601003.

Submissions (2):

Labcorp Genetics (formerly Invitae), Labcorp
Classification: Uncertain significance for Brody myopathy. Last evaluated: 2022-07-08. Review status: criteria provided, single submitter. Criteria: Invitae Variant Classification Sherloc (09022015). Collection method: clinical testing. Allele origin: germline.
Comment: This sequence change replaces glycine, which is neutral and non-polar, with serine, which is neutral and polar, at codon 227 of the ATP2A1 protein (p.Gly227Ser). Information on the frequency of this variant in the gnomAD database is not available, as this variant may be reported differently in the database. This variant has not been reported in the literature in individuals affected with ATP2A1-related conditions. ClinVar contains an entry for this variant (Variation ID: 1363138). Experimental studies and prediction algorithms are not available or were not evaluated, and the functional significance of this variant is currently unknown. Algorithms developed to predict the effect of sequence changes on RNA splicing suggest that this variant may create or strengthen a splice site. In summary, the available evidence is currently insufficient to determine the role of this variant in disease. Therefore, it has been classified as a Variant of Uncertain Significance.

Revvity Omics, Revvity
Classification: Uncertain significance for Brody myopathy. Last evaluated: 2022-03-29. Review status: criteria provided, single submitter. Criteria: ACMG Guidelines, 2015. Collection method: clinical testing. Allele origin: germline.